The following is an entry in ClinVar:

NM_032444.4(SLX4):c.2384C>G (p.Ser795Ter)

Gene: SLX4 (SLX4 structure-specific endonuclease subunit; minus strand). Cytogenetic location: 16p13.3.
Variant type: single nucleotide variant.
Coding change: c.2384C>G on transcript NM_032444.4 (MANE Select); coding-DNA position 2384, C replaced by G.
Protein change: p.Ser795Ter; replaces serine 795 with a stop codon.
Molecular consequence: nonsense.
Genome position (GRCh38, 1-based): chr16:3,591,254, G>C on the plus strand (C>G on the coding strand, the complement: SLX4 is on the minus strand). VCF-style: chr16-3591254-G-C. GRCh37 (hg19) VCF-style: chr16-3641255-G-C.
Other names: c.2384C>G (NM_032444.2); short protein forms S795*.
Identifiers: ClinVar variation 1701275 (VCV001701275.38), dbSNP rs2151126006, ClinGen allele CA394524037.

ClinVar aggregate classification (germline): Pathogenic/Likely pathogenic. Review status: criteria provided, multiple submitters, no conflicts (2 of 4 stars). 3 submissions from 3 submitters: Pathogenic (1); Likely pathogenic (2). Last evaluated 2026-10-20.

Conditions:
Fanconi anemia (FA). Also called: Fanconi's anemia. Identifiers: Orphanet 84, MedGen C0015625, MeSH D005199, MONDO:0019391.

Submissions (3):

GeneDx
Classification: Likely pathogenic. Last evaluated: 2026-10-20. Review status: criteria provided, single submitter. Criteria: GeneDx Variant Classification Process June 2021. Collection method: clinical testing. Allele origin: germline.
Comment: Identified in individuals with cancer (including ovarian cancer, cervical cancer, neuroblastoma, and colorectal cancer) from case control studies, but detailed clinical information and familial segregation were not provided (PMID: 29478780, 32546565, 34308104, 39440754); Nonsense variant predicted to result in protein truncation or nonsense mediated decay in a gene for which loss of function is a known mechanism of disease; Not observed at significant frequency in large population cohorts (gnomAD); This variant is associated with the following publications: (PMID: 32546565, 34308104, 29478780, 21240277, 39440754)

Labcorp Genetics (formerly Invitae), Labcorp
Classification: Pathogenic for Fanconi anemia. Last evaluated: 2025-03-09. Review status: criteria provided, single submitter. Criteria: Invitae Variant Classification Sherloc (09022015). Collection method: clinical testing. Allele origin: germline.
Comment: This sequence change creates a premature translational stop signal (p.Ser795*) in the SLX4 gene. It is expected to result in an absent or disrupted protein product. Loss-of-function variants in SLX4 are known to be pathogenic (PMID: 21240277). This variant is not present in population databases (gnomAD no frequency). This variant has not been reported in the literature in individuals affected with SLX4-related conditions. ClinVar contains an entry for this variant (Variation ID: 1701275). For these reasons, this variant has been classified as Pathogenic.

CeGaT Center for Human Genetics Tuebingen
Classification: Likely pathogenic. Last evaluated: 2019-03-01. Review status: criteria provided, single submitter. Criteria: CeGaT Center For Human Genetics Tuebingen Variant Classification Criteria Version 2. Collection method: clinical testing. Allele origin: germline. Affected: yes. Observed: 1 variant allele.

Literature cited by the submitters: PubMed 21240277 (cited by Labcorp Genetics (formerly Invitae), Labcorp).